The following is an entry in ClinVar:

NM_001142864.4(PIEZO1):c.3672C>A (p.Thr1224=)

Gene: PIEZO1 (piezo type mechanosensitive ion channel component 1 (Er blood group); minus strand). Cytogenetic location: 16q24.3.
Variant type: single nucleotide variant.
Coding change: c.3672C>A on transcript NM_001142864.4 (MANE Select); coding-DNA position 3672, C replaced by A.
Protein change: p.Thr1224=; no amino-acid change (threonine 1224 retained).
Molecular consequence: synonymous variant.
Genome position (GRCh38, 1-based): chr16:88,726,742, G>T on the plus strand (C>A on the coding strand, the complement: PIEZO1 is on the minus strand). VCF-style: chr16-88726742-G-T. GRCh37 (hg19) VCF-style: chr16-88793150-G-T.
Other names: c.2214C>A, p.Thr738= (NM_014745.1).
Identifiers: ClinVar variation 3031055 (VCV003031055.2), dbSNP rs551750587, ClinGen allele CA497366130.

ClinVar aggregate classification (germline): Likely benign (0 of 4 stars; one submission).

Conditions:
PIEZO1-related disorder. Also called: PIEZO1-Related Disorders; PIEZO1-related condition.

gnomAD v4.1: 31 of 1,549,946 alleles (0.002%); highest among the groups gnomAD compares: Non-Finnish European, 0.0024%; no homozygotes.

Submission:

PreventionGenetics, part of Exact Sciences
Classification: Likely benign for PIEZO1-related condition. Last evaluated: 2020-11-25. Review status: no assertion criteria provided. Collection method: clinical testing. Allele origin: germline.
Comment: This variant is classified as likely benign based on ACMG/AMP sequence variant interpretation guidelines (Richards et al. 2015 PMID: 25741868, with internal and published modifications).